The following is an entry in ClinVar:

ClinVar aggregate classification (germline): Uncertain significance (1 of 4 stars; one submission).

gnomAD v4.1: 6 of 1,614,118 alleles (0.00037%); highest among the groups gnomAD compares: South Asian, 0.0022%; no homozygotes.

Submission:

GeneDx
Classification: Uncertain significance. Last evaluated: 2016-08-10. Review status: criteria provided, single submitter. Criteria: GeneDx Variant Classification (06012015). Collection method: clinical testing. Allele origin: germline. Affected: yes.
Comment: The R1111P variant in the CDAN1 gene has not been reported previously as a pathogenic variant, nor as a benign variant, to our knowledge. The R1111P variant was not observed in approximately 6,500 individuals of European and African American ancestry in the NHLBI Exome Sequencing Project, indicating it is not a common benign variant in these populations. The R1111P variant is a non-conservative amino acid substitution, which is likely to impact secondary protein structure as these residues differ in polarity, charge, size and/or other properties. This substitution occurs at a position that is conserved in mammals. In silico analysis is inconsistent in its predictions as to whether or not the variant is damaging to the protein structure/function. We interpret R1111P as a variant of uncertain significance.

NM_138477.4(CDAN1):c.3332G>C (p.Arg1111Pro)

Gene: CDAN1 (codanin 1; minus strand). Cytogenetic location: 15q15.2.
Variant type: single nucleotide variant.
Coding change: c.3332G>C on transcript NM_138477.4 (MANE Select); coding-DNA position 3332, G replaced by C.
Protein change: p.Arg1111Pro; replaces arginine 1111 with proline.
Molecular consequence: missense variant.
Genome position (GRCh38, 1-based): chr15:42,725,607, C>G on the plus strand (G>C on the coding strand, the complement: CDAN1 is on the minus strand). VCF-style: chr15-42725607-C-G. GRCh37 (hg19) VCF-style: chr15-43017805-C-G.
Other names: c.3332G>C, p.Arg1111Pro (LRG_1164t1); short protein forms R1111P.
Identifiers: ClinVar variation 421887 (VCV000421887.2), dbSNP rs746582832, ClinGen allele CA7515173.